The following is an entry in ClinVar:

ClinVar aggregate classification (germline): Pathogenic (1 of 4 stars; one submission).

Submission:

GeneDx
Classification: Pathogenic. Last evaluated: 2026-09-24. Review status: criteria provided, single submitter. Criteria: GeneDx Variant Classification Process June 2021. Collection method: clinical testing. Allele origin: germline.
Comment: Frameshift variant predicted to result in protein truncation or nonsense mediated decay in a gene for which loss of function is a known mechanism of disease; Not observed at significant frequency in large population cohorts (gnomAD); Has not been previously published as pathogenic or benign to our knowledge

NM_001386135.1(AFF3):c.1063_1064del (p.Pro356fs)

Gene: AFF3 (ALF transcription elongation factor 3; minus strand). Cytogenetic location: 2q11.2.
Variant type: Microsatellite.
Coding change: c.1063_1064del on transcript NM_001386135.1 (MANE Select); coding-DNA positions 1063 to 1064, 2 bases deleted (AG; older notation c.1063_1064delAG).
Protein change: p.Pro356fs; shifts the reading frame from proline 356.
Molecular consequence: frameshift variant.
Genome position (GRCh38, 1-based): chr2:99,727,104-99,727,105, CT deleted on the plus strand (AG on the coding strand, the reverse complement: AFF3 is on the minus strand); deleting any 2 consecutive bases within chr2:99,727,104-99,727,109 gives the same sequence; the c. name uses the placement nearest the transcript's 3' end. VCF-style (leftmost placement, unchanged base first): chr2-99727103-ACT-A. GRCh37 (hg19) VCF-style: chr2-100343565-ACT-A.
Other names: c.1138_1139del, p.Pro381fs (NM_001025108.2); c.1063_1064del, p.Pro356fs (NM_002285.3); short protein forms P356fs, P381fs.
Identifiers: ClinVar variation 3900204 (VCV003900204.2).